The following is an entry in ClinVar:

NM_016065.4(MRPS16):c.341G>A (p.Arg114Gln)

Genes: DNAJC9-AS1 (DNAJC9 and MRPS16 antisense RNA 1; plus strand), MRPS16 (mitochondrial ribosomal protein S16; minus strand). Cytogenetic location: 10q22.2.
Variant type: single nucleotide variant.
Coding change: c.341G>A on transcript NM_016065.4 (MANE Select); coding-DNA position 341, G replaced by A.
Protein change: p.Arg114Gln; replaces arginine 114 with glutamine.
Molecular consequence: missense variant.
Genome position (GRCh38, 1-based): chr10:73,250,925, C>T on the plus strand (G>A on the coding strand, the complement: MRPS16 is on the minus strand). VCF-style: chr10-73250925-C-T. GRCh37 (hg19) VCF-style: chr10-75010683-C-T.
Other names: short protein forms R114Q.
Identifiers: ClinVar variation 2122989 (VCV002122989.4), dbSNP rs778664879, ClinGen allele CA5553337.
Genomic context (GRCh38, chr10:73,250,925, plus strand): 5'-GCCTCTGTATCTGTAGCTTCTGCATCTGTTTTCTGAGAAGCTAACAGGACTTCACGTGCC[C>T]GTTTCCTTCGCAGTCTCTCAGCATTTGTGATCATCATAGGATGCAGAGGGAAAAAGCCAG-3'
Protein context (NP_057149.1, residues 104-124): ITNAERLRRK[Arg114Gln]AREVLLASQK

ClinVar aggregate classification (germline): Uncertain significance (1 of 4 stars; one submission).

Allele frequency attached by ClinVar (database versions not stated): gnomAD 0.00001; ExAC 0.00002.
gnomAD v4.1: 6 of 1,614,028 alleles (0.00037%); highest among the groups gnomAD compares: African/African-American, 0.0013%; no homozygotes.

Submission:

Labcorp Genetics (formerly Invitae), Labcorp
Classification: Uncertain significance. Last evaluated: 2022-09-13. Review status: criteria provided, single submitter. Criteria: Invitae Variant Classification Sherloc (09022015). Collection method: clinical testing. Allele origin: germline.
Comment: This sequence change replaces arginine, which is basic and polar, with glutamine, which is neutral and polar, at codon 114 of the MRPS16 protein (p.Arg114Gln). This variant is present in population databases (rs778664879, gnomAD 0.003%). This variant has not been reported in the literature in individuals affected with MRPS16-related conditions. Algorithms developed to predict the effect of missense changes on protein structure and function (SIFT, PolyPhen-2, Align-GVGD) all suggest that this variant is likely to be tolerated. In summary, the available evidence is currently insufficient to determine the role of this variant in disease. Therefore, it has been classified as a Variant of Uncertain Significance.